The following is an entry in ClinVar:

NM_001080517.3(SETD5):c.1919A>G (p.Gln640Arg)

Gene: SETD5 (SET domain containing 5; plus strand). Cytogenetic location: 3p25.3.
Variant type: single nucleotide variant.
Coding change: c.1919A>G on transcript NM_001080517.3 (MANE Select); coding-DNA position 1919, A replaced by G.
Protein change: p.Gln640Arg; replaces glutamine 640 with arginine.
Molecular consequence: missense variant.
Genome position (GRCh38, 1-based): chr3:9,447,822, A>G. VCF-style: chr3-9447822-A-G. GRCh37 (hg19) VCF-style: chr3-9489506-A-G.
Other names: c.1625A>G, p.Gln542Arg (NM_001292043.2, NM_001349451.2); c.2015A>G, p.Gln672Arg (NM_001437633.1); c.1976A>G, p.Gln659Arg (NM_001437635.1); c.1919A>G, p.Gln640Arg (NM_001437643.1); c.1958A>G, p.Gln653Arg (NM_001437701.1); short protein forms Q672R, Q640R, Q659R, Q542R, Q653R.
Identifiers: ClinVar variation 5009432 (VCV005009432.1).

ClinVar aggregate classification (germline): Uncertain significance (1 of 4 stars; one submission).

Submission:

GeneDx
Classification: Uncertain significance. Last evaluated: 2026-03-18. Review status: criteria provided, single submitter. Criteria: GeneDx Variant Classification Process June 2021. Collection method: clinical testing. Allele origin: germline.
Comment: Not observed at significant frequency in large population cohorts (gnomAD); In silico analysis suggests that this missense variant does not alter protein structure/function; Has not been previously published as pathogenic or benign to our knowledge